The following is an entry in ClinVar:

NM_004385.5(VCAN):c.8419T>C (p.Tyr2807His)

Genes: VCAN (versican; plus strand), VCAN-AS1 (VCAN antisense RNA 1; minus strand). Cytogenetic location: 5q14.3.
Variant type: single nucleotide variant.
Coding change: c.8419T>C on transcript NM_004385.5 (MANE Select); coding-DNA position 8419, T replaced by C.
Protein change: p.Tyr2807His; replaces tyrosine 2807 with histidine.
Molecular consequence: missense variant. On other transcripts: intron variant (2).
Genome position (GRCh38, 1-based): chr5:83,541,422, T>C. VCF-style: chr5-83541422-T-C. GRCh37 (hg19) VCF-style: chr5-82837241-T-C.
Other names: c.5458T>C, p.Tyr1820His (NM_001164097.2); c.4004-4115T>C (NM_001164098.2); c.1043-4115T>C (NM_001126336.3); short protein forms Y1820H, Y2807H.
Identifiers: ClinVar variation 4989472 (VCV004989472.1).

ClinVar aggregate classification (germline): Uncertain significance (1 of 4 stars; one submission).

Conditions:
VCAN-related disorder. Also called: VCAN-related condition.

Submission:

PreventionGenetics, part of Exact Sciences
Classification: Uncertain significance for VCAN-related condition. Last evaluated: 2025-08-27. Review status: criteria provided, single submitter. Criteria: ACMG Guidelines, 2015. Collection method: clinical testing. Allele origin: germline.
Comment: The VCAN c.8419T>C variant is predicted to result in the amino acid substitution p.Tyr2807His. To our knowledge, this variant has not been reported in the literature or in a large population database (gnomAD), indicating this variant is rare. At this time, the clinical significance of this variant is uncertain due to the absence of conclusive functional and genetic evidence.